The following is an entry in ClinVar:

NM_001032386.2(SUOX):c.-11+1613C>T

Gene: SUOX (sulfite oxidase; plus strand). Cytogenetic location: 12q13.2.
Variant type: single nucleotide variant.
Coding change: c.-11+1613C>T on transcript NM_001032386.2 (MANE Select); 1613 bases into the intron after 11 bases upstream of the start codon, C replaced by T.
Molecular consequence: intron variant. On other transcripts: 5 prime UTR variant (1).
Genome position (GRCh38, 1-based): chr12:55,999,336, C>T. VCF-style: chr12-55999336-C-T. GRCh37 (hg19) VCF-style: chr12-56393120-C-T.
Other names: c.-133C>T (NM_000456.3); c.-11+1997C>T (NM_001032387.2).
Identifiers: ClinVar variation 309827 (VCV000309827.6), dbSNP rs139170103, ClinGen allele CA10642878.

ClinVar aggregate classification (germline): Likely benign (1 of 4 stars; one submission).

Conditions:
Sulfite oxidase deficiency. Also called: Isolated sulfite oxidase deficiency. Identifiers: Orphanet 833, Orphanet 99731, MedGen C0268624, MONDO:0010089, OMIM 272300, HP:0003643.

Allele frequency attached by ClinVar (database versions not stated): gnomAD 0.00029 and 0.00046; TOPMed 0.00034; gnomAD exomes 0.00082; 1000 Genomes Project 30x 0.00234; 1000 Genomes Project 0.00260.
gnomAD v4.1: 79 of 153,496 alleles (0.051%); highest among the groups gnomAD compares: East Asian, 0.83%; 2 homozygotes.

Submission:

Illumina Laboratory Services, Illumina
Classification: Likely benign for Sulfite oxidase deficiency. Last evaluated: 2018-01-12. Review status: criteria provided, single submitter. Criteria: ICSL Variant Classification Criteria 13 December 2019. Collection method: clinical testing. Allele origin: germline.
Comment: This variant was observed in the ICSL laboratory as part of a predisposition screen in an ostensibly healthy population. It had not been previously curated by ICSL or reported in the Human Gene Mutation Database (HGMD: prior to June 1st, 2018), and was therefore a candidate for classification through an automated scoring system. Utilizing variant allele frequency, disease prevalence and penetrance estimates, and inheritance mode, an automated score was calculated to assess if this variant is too frequent to cause the disease. Based on the score and internal cut-off values, a variant classified as likely benign is not then subjected to further curation. The score for this variant resulted in a classification of likely benign for this disease.